The following is an entry in ClinVar:

ClinVar aggregate classification (germline): Benign/Likely benign. Review status: criteria provided, multiple submitters, no conflicts (2 of 4 stars). 7 submissions from 7 submitters: Benign (2); Likely benign (4). 1 of the submissions does not count toward it. Last evaluated 2025-11-01.

Conditions:
Hypercholesterolemia, autosomal dominant, 3 (FHCL3). Also called: PCSK9-Related Familial Hypercholesterolemia, Autosomal Dominant; Familial Hypercholesterolemia, Autosomal Dominant, 3; Familial hypercholesterolemia 3. Identifiers: MedGen C1863551, MONDO:0011369, OMIM 603776.
PCSK9-related disorder. Also called: PCSK9-related disorders; PCSK9-related condition.
Cardiovascular phenotype. Identifiers: MedGen CN230736.
Familial hypercholesterolemia. Also called: Familial hypercholesterolemias; Familial hypercholesterolaemia. Identifiers: MedGen C0020445, MONDO:0005439.

Allele frequency attached by ClinVar (database versions not stated): gnomAD 0.00005 and 0.00007; TOPMed 0.00009; gnomAD exomes 0.00014; ExAC 0.00017; 1000 Genomes Project 0.00080; 1000 Genomes Project 30x 0.00094.
gnomAD v4.1: 88 of 1,613,750 alleles (0.0055%); highest among the groups gnomAD compares: East Asian, 0.16%; no homozygotes.

Submissions (7):

Labcorp Genetics (formerly Invitae), Labcorp
Classification: Benign for Hypercholesterolemia, autosomal dominant, 3. Last evaluated: 2025-11-01. Review status: criteria provided, single submitter. Criteria: Invitae Variant Classification Sherloc (09022015). Collection method: clinical testing. Allele origin: germline.

All of Us Research Program, National Institutes of Health
Classification: Likely benign for Hypercholesterolemia, autosomal dominant, 3. Last evaluated: 2024-02-05. Review status: criteria provided, single submitter. Criteria: ACMG Guidelines, 2015. Collection method: clinical testing. Allele origin: germline. Inheritance: Autosomal dominant inheritance. Observed: 14 variant alleles, 14 heterozygotes.
Comment: This study involves interpretation of variants in research participants for the purpose of population health screening. Participant phenotype was not available at the time of variant classification. Additional details can be found in publication PMID: 35346344, PMCID: PMC8962531

Ambry Genetics
Classification: Likely benign for Cardiovascular phenotype. Last evaluated: 2022-10-02. Review status: criteria provided, single submitter. Criteria: Ambry Variant Classification Scheme 2023. Collection method: clinical testing. Allele origin: germline.

Color Diagnostics, LLC DBA Color Health
Classification: Likely benign for Familial hypercholesterolemias. Last evaluated: 2018-02-11. Review status: criteria provided, single submitter. Criteria: ACMG Guidelines, 2015. Collection method: clinical testing. Allele origin: germline.

Women's Health and Genetics/Laboratory Corporation of America, LabCorp
Classification: Benign. Last evaluated: 2017-09-05. Review status: criteria provided, single submitter. Criteria: LabCorp Variant Classification Summary - May 2015. Collection method: clinical testing. Allele origin: germline.
Comment: Variant summary: The PCSK9 c.1878C>T (p.Cys626Cys) variant involves the alteration of a non-conserved nucleotide, resulting in a synonymous change. MutationTaster predicts a damaging outcome for this variant. 4/5 splice prediction tools predict no significant impact on normal splicing. ESE finder predicts that this variant may affect ESE sites at the locus. However, these predictions have yet to be confirmed by functional studies. This variant was found in 19/109970 control chromosomes from all ethnicities, but was observed predominantly in the East Asian subpopulation at a frequency of 0.002103 (17/8084). This frequency is about 105 times the estimated maximal expected allele frequency of a pathogenic PCSK9 variant (0.00002), strongly suggesting this is likely a benign polymorphism found primarily in the populations of East Asian origin. The variant has been cited in the literature without evidence for causality. Taken together, this variant is classified as benign.

Breakthrough Genomics
Classification: Likely benign. Review status: criteria provided, single submitter. Criteria: ACMG Guidelines, 2015. Collection method: not provided. Allele origin: germline. Inheritance: Autosomal dominant inheritance. Affected: yes.

PreventionGenetics, part of Exact Sciences
Classification: Likely benign for PCSK9-related condition. Last evaluated: 2019-10-28. Review status: no assertion criteria provided. Collection method: clinical testing. Allele origin: germline. Not counted in ClinVar's aggregate classification.
Comment: This variant is classified as likely benign based on ACMG/AMP sequence variant interpretation guidelines (Richards et al. 2015 PMID: 25741868, with internal and published modifications).

Literature cited by the submitters: PubMed 17316651 (cited by Women's Health and Genetics/Laboratory Corporation of America, LabCorp); PubMed 19191301 (cited by Women's Health and Genetics/Laboratory Corporation of America, LabCorp); PubMed 21376320 (cited by Women's Health and Genetics/Laboratory Corporation of America, LabCorp).

NM_174936.4(PCSK9):c.1878C>T (p.Cys626=)

Gene: PCSK9 (proprotein convertase subtilisin/kexin type 9; plus strand). Cytogenetic location: 1p32.3.
Variant type: single nucleotide variant.
Coding change: c.1878C>T on transcript NM_174936.4 (MANE Select); coding-DNA position 1878, C replaced by T.
Protein change: p.Cys626=; no amino-acid change (cysteine 626 retained).
Molecular consequence: synonymous variant. On other transcripts: non-coding transcript variant (8).
Genome position (GRCh38, 1-based): chr1:55,063,383, C>T. VCF-style: chr1-55063383-C-T. GRCh37 (hg19) VCF-style: chr1-55529056-C-T.
Other names: c.2001C>T, p.Cys667= (NM_001407240.1); c.1920C>T, p.Cys640= (NM_001407241.1); c.1881C>T, p.Cys627= (NM_001407242.1); c.1821C>T, p.Cys607= (NM_001407243.1); c.1704C>T, p.Cys568= (NM_001407244.1); c.1686C>T, p.Cys562= (NM_001407245.1); c.1503C>T, p.Cys501= (NM_001407246.1); c.1377C>T, p.Cys459= (NM_001407247.1).
Identifiers: ClinVar variation 627678 (VCV000627678.27), dbSNP rs199815786, ClinGen allele CA039559.